The following is an entry in ClinVar:

NM_015192.4(PLCB1):c.650A>G (p.Asn217Ser)

Gene: PLCB1 (phospholipase C beta 1; plus strand). Cytogenetic location: 20p12.3.
Variant type: single nucleotide variant.
Coding change: c.650A>G on transcript NM_015192.4 (MANE Select); coding-DNA position 650, A replaced by G.
Protein change: p.Asn217Ser; replaces asparagine 217 with serine.
Molecular consequence: missense variant.
Genome position (GRCh38, 1-based): chr20:8,657,239, A>G. VCF-style: chr20-8657239-A-G. GRCh37 (hg19) VCF-style: chr20-8637886-A-G.
Other names: c.650A>G, p.Asn217Ser (NM_182734.3); c.650A>G (NM_015192.2); short protein forms N217S.
Identifiers: ClinVar variation 1937915 (VCV001937915.6), dbSNP rs1032443644, ClinGen allele CA311675930.

ClinVar aggregate classification (germline): Uncertain significance. Review status: criteria provided, multiple submitters, no conflicts (2 of 4 stars). 2 submissions from 2 submitters: Uncertain significance (2). Last evaluated 2025-05-19.

Conditions:
Developmental and epileptic encephalopathy, 12 (DEE12). Identifiers: MedGen C3150988, MONDO:0013389, OMIM 613722.

Allele frequency attached by ClinVar (database versions not stated): gnomAD exomes below 0.00001; TOPMed below 0.00001.
gnomAD v4.1: 2 of 1,610,552 alleles (0.00012%); highest among the groups gnomAD compares: Non-Finnish European, 0.00017%; no homozygotes.

Submissions (2):

GeneDx
Classification: Uncertain significance. Last evaluated: 2025-05-19. Review status: criteria provided, single submitter. Criteria: GeneDx Variant Classification Process June 2021. Collection method: clinical testing. Allele origin: germline. Affected: yes.
Comment: Not observed at significant frequency in large population cohorts (gnomAD); In silico analysis suggests that this missense variant does not alter protein structure/function; Has not been previously published as pathogenic or benign to our knowledge

Labcorp Genetics (formerly Invitae), Labcorp
Classification: Uncertain significance for Developmental and epileptic encephalopathy, 12. Last evaluated: 2023-12-18. Review status: criteria provided, single submitter. Criteria: Invitae Variant Classification Sherloc (09022015). Collection method: clinical testing. Allele origin: germline.
Comment: This sequence change replaces asparagine, which is neutral and polar, with serine, which is neutral and polar, at codon 217 of the PLCB1 protein (p.Asn217Ser). This variant is not present in population databases (gnomAD no frequency). This variant has not been reported in the literature in individuals affected with PLCB1-related conditions. ClinVar contains an entry for this variant (Variation ID: 1937915). Advanced modeling of protein sequence and biophysical properties (such as structural, functional, and spatial information, amino acid conservation, physicochemical variation, residue mobility, and thermodynamic stability) performed at Invitae indicates that this missense variant is not expected to disrupt PLCB1 protein function with a negative predictive value of 80%. In summary, the available evidence is currently insufficient to determine the role of this variant in disease. Therefore, it has been classified as a Variant of Uncertain Significance.